The following is an entry in ClinVar:

ClinVar aggregate classification (germline): Likely benign (1 of 4 stars; one submission).

Allele frequency attached by ClinVar (database versions not stated): 1000 Genomes Project 0.00180; 1000 Genomes Project 30x 0.00219; gnomAD 0.00357 and 0.00397; TOPMed 0.00395.
gnomAD v4.1: 541 of 152,200 alleles (0.36%); highest among the groups gnomAD compares: African/African-American, 1.2%; 1 homozygote.

Submission:

GeneDx
Classification: Likely benign. Last evaluated: 2018-06-12. Review status: criteria provided, single submitter. Criteria: GeneDx Variant Classification (06012015). Collection method: clinical testing. Allele origin: germline. Affected: yes.
Comment: This variant is considered likely benign or benign based on one or more of the following criteria: it is a conservative change, it occurs at a poorly conserved position in the protein, it is predicted to be benign by multiple in silico algorithms, and/or has population frequency not consistent with disease.

NM_001354604.2(MITF):c.881-253A>G

Gene: MITF (melanocyte inducing transcription factor; plus strand). Cytogenetic location: 3p13.
Variant type: single nucleotide variant.
Coding change: c.881-253A>G on transcript NM_001354604.2 (MANE Select); 253 bases into the intron before coding-DNA position 881, A replaced by G.
Molecular consequence: intron variant.
Genome position (GRCh38, 1-based): chr3:69,951,559, A>G. VCF-style: chr3-69951559-A-G. GRCh37 (hg19) VCF-style: chr3-70000710-A-G.
Other names: c.830-271A>G (NM_001354607.2); c.725-271A>G (NM_001354608.2, NM_001184967.2); c.881-271A>G (NM_198159.3); c.878-253A>G (NM_001354605.2); c.878-271A>G (NM_001354606.2, NM_006722.3); c.833-271A>G (NM_198177.3); c.560-253A>G (NM_000248.4); c.560-271A>G (NM_198158.3); and 1 more.
Identifiers: ClinVar variation 679716 (VCV000679716.1), dbSNP rs147960490, ClinGen allele CA77002037.